The following is an entry in ClinVar:

NM_002878.4(RAD51D):c.105C>T (p.Asp35=)

Genes: RAD51D (RAD51 paralog D; minus strand), RAD51L3-RFFL (RAD51L3-RFFL readthrough; minus strand). Cytogenetic location: 17q12.
Variant type: single nucleotide variant.
Coding change: c.105C>T on transcript NM_002878.4 (MANE Select); coding-DNA position 105, C replaced by T.
Protein change: p.Asp35=; no amino-acid change (aspartic acid 35 retained).
Molecular consequence: synonymous variant. On other transcripts: non-coding transcript variant (2).
Genome position (GRCh38, 1-based): chr17:35,119,150, G>A on the plus strand (C>T on the coding strand, the complement: RAD51D is on the minus strand). VCF-style: chr17-35119150-G-A. GRCh37 (hg19) VCF-style: chr17-33446169-G-A.
Other names: c.105C>T, p.Asp35= (NM_001142571.2, NM_133629.3).
Identifiers: ClinVar variation 472586 (VCV000472586.17), dbSNP rs1555570413, ClinGen allele CA499732414.

ClinVar aggregate classification (germline): Conflicting classifications of pathogenicity. Review status: criteria provided, conflicting classifications (1 of 4 stars). 4 submissions from 4 submitters: Uncertain significance (1); Benign (1); Likely benign (2). Last evaluated 2025-12-10.

Conditions:
Breast-ovarian cancer, familial, susceptibility to, 4. Identifiers: Orphanet 145, MedGen C3280345, MONDO:0013669, OMIM 614291.
Hereditary cancer-predisposing syndrome. Also called: Neoplastic Syndromes, Hereditary; Tumor predisposition; Hereditary Cancer Syndrome; Hereditary neoplastic syndrome. Identifiers: Orphanet 140162, MedGen C0027672, MeSH D009386, MONDO:0015356.

Submissions (4):

Labcorp Genetics (formerly Invitae), Labcorp
Classification: Likely benign for Breast-ovarian cancer, familial, susceptibility to, 4. Last evaluated: 2025-12-10. Review status: criteria provided, single submitter. Criteria: Invitae Variant Classification Sherloc (09022015). Collection method: clinical testing. Allele origin: germline.

Ambry Genetics
Classification: Likely benign for Hereditary cancer-predisposing syndrome. Last evaluated: 2025-04-12. Review status: criteria provided, single submitter. Criteria: Ambry Variant Classification Scheme 2023. Collection method: clinical testing. Allele origin: germline.

Myriad Genetics, Inc.
Classification: Benign for Breast-ovarian cancer, familial, susceptibility to, 4. Last evaluated: 2025-02-20. Review status: criteria provided, single submitter. Criteria: Myriad Autosomal Dominant, Autosomal Recessive and X-Linked Classification Criteria (2023). Collection method: clinical testing. Allele origin: unknown.
Comment: This variant is considered benign. This variant is a silent/synonymous amino acid change and it is not expected to impact splicing.

GeneDx
Classification: Uncertain significance. Last evaluated: 2019-05-29. Review status: criteria provided, single submitter. Criteria: GeneDx Variant Classification Process June 2021. Collection method: clinical testing. Allele origin: germline. Affected: yes.
Comment: Not observed in large population cohorts (Lek et al., 2016); Has not been previously published as pathogenic or benign to our knowledge